The following is an entry in ClinVar:

ClinVar aggregate classification (germline): Likely benign (1 of 4 stars; one submission).

Allele frequency attached by ClinVar (database versions not stated): ExAC 0.00008; TOPMed 0.00033; gnomAD 0.00036; gnomAD exomes 0.00055; ESP Exome Variant Server 0.00057.
gnomAD v4.1: 615 of 1,201,146 alleles (0.051%); highest among the groups gnomAD compares: Non-Finnish European, 0.066%; no homozygotes.

Submission:

CeGaT Center for Human Genetics Tuebingen
Classification: Likely benign. Last evaluated: 2023-08-01. Review status: criteria provided, single submitter. Criteria: CeGaT Center For Human Genetics Tuebingen Variant Classification Criteria Version 2. Collection method: clinical testing. Allele origin: germline. Affected: yes. Observed: 2 variant alleles.
Comment: BCORL1: BP4, BS2

NM_001379451.1(BCORL1):c.214C>T (p.Arg72Trp)

Gene: BCORL1 (BCL6 corepressor like 1; plus strand). Cytogenetic location: Xq26.1.
Variant type: single nucleotide variant.
Coding change: c.214C>T on transcript NM_001379451.1 (MANE Select); coding-DNA position 214, C replaced by T.
Protein change: p.Arg72Trp; replaces arginine 72 with tryptophan.
Molecular consequence: missense variant.
Genome position (GRCh38, 1-based): chrX:130,012,986, C>T. VCF-style: chrX-130012986-C-T. GRCh37 (hg19) VCF-style: chrX-129146962-C-T.
Other names: c.214C>T, p.Arg72Trp (NM_001184772.3, NM_001379450.1, NM_021946.5); short protein forms R72W.
Identifiers: ClinVar variation 2661409 (VCV002661409.24), dbSNP rs141901231, ClinGen allele CA10514091.
Genomic context (GRCh38, chrX:130,012,986, plus strand): 5'-GTGCATGCTATCCTGTCGTTGCAGGTGGAGCTCACGGCAGTTGGAAGTGGCAGCAATGCC[C>T]GGGGGGCAGACCCAGATGGCAGTGCTACAGAAAAACTTGGGCACAAGTCAGAAGACAAGC-3'
Protein context (NP_001366380.1, residues 62-82): LTAVGSGSNA[Arg72Trp]GADPDGSATE